The following is an entry in ClinVar:

NM_004958.4(MTOR):c.7412C>T (p.Thr2471Met)

Gene: MTOR (mechanistic target of rapamycin kinase; minus strand). Cytogenetic location: 1p36.22.
Variant type: single nucleotide variant.
Coding change: c.7412C>T on transcript NM_004958.4 (MANE Select); coding-DNA position 7412, C replaced by T.
Protein change: p.Thr2471Met; replaces threonine 2471 with methionine.
Molecular consequence: missense variant.
Genome position (GRCh38, 1-based): chr1:11,109,684, G>A on the plus strand (C>T on the coding strand, the complement: MTOR is on the minus strand). VCF-style: chr1-11109684-G-A. GRCh37 (hg19) VCF-style: chr1-11169741-G-A.
Other names: c.7412C>T, p.Thr2471Met (NM_001386500.1); c.6164C>T, p.Thr2055Met (NM_001386501.1); short protein forms T2471M, T2055M.
Identifiers: ClinVar variation 2733335 (VCV002733335.3), dbSNP rs1228569453, ClinGen allele CA338378973.

ClinVar aggregate classification (germline): Uncertain significance (1 of 4 stars; one submission).

Allele frequency attached by ClinVar (database versions not stated): gnomAD exomes below 0.00001; TOPMed 0.00001; gnomAD 0.00001.
gnomAD v4.1: 7 of 1,613,876 alleles (0.00043%); highest among the groups gnomAD compares: South Asian, 0.0011%; no homozygotes.

Submission:

Labcorp Genetics (formerly Invitae), Labcorp
Classification: Uncertain significance. Last evaluated: 2025-02-06. Review status: criteria provided, single submitter. Criteria: Invitae Variant Classification Sherloc (09022015). Collection method: clinical testing. Allele origin: germline.
Comment: This sequence change replaces threonine, which is neutral and polar, with methionine, which is neutral and non-polar, at codon 2471 of the MTOR protein (p.Thr2471Met). This variant is present in population databases (no rsID available, gnomAD 0.006%). This variant has not been reported in the literature in individuals affected with MTOR-related conditions. ClinVar contains an entry for this variant (Variation ID: 2733335). Invitae Evidence Modeling of protein sequence and biophysical properties (such as structural, functional, and spatial information, amino acid conservation, physicochemical variation, residue mobility, and thermodynamic stability) has been performed for this missense variant. However, the output from this modeling did not meet the statistical confidence thresholds required to predict the impact of this variant on MTOR protein function. In summary, the available evidence is currently insufficient to determine the role of this variant in disease. Therefore, it has been classified as a Variant of Uncertain Significance.